The following is an entry in ClinVar:

ClinVar aggregate classification (germline): Uncertain significance. Review status: criteria provided, multiple submitters, no conflicts (2 of 4 stars). 2 submissions from 2 submitters: Uncertain significance (2). Last evaluated 2024-12-09.

Conditions:
Inborn genetic diseases. Identifiers: MedGen C0950123, MeSH D030342.

gnomAD v4.1: 4 of 1,613,944 alleles (0.00025%); highest among the groups gnomAD compares: Non-Finnish European, 0.00034%; no homozygotes.

Submissions (2):

Ambry Genetics
Classification: Uncertain significance for Inborn genetic diseases. Last evaluated: 2024-12-09. Review status: criteria provided, single submitter. Criteria: Ambry Variant Classification Scheme 2023. Collection method: clinical testing. Allele origin: germline.

Labcorp Genetics (formerly Invitae), Labcorp
Classification: Uncertain significance. Last evaluated: 2024-04-25. Review status: criteria provided, single submitter. Criteria: Invitae Variant Classification Sherloc (09022015). Collection method: clinical testing. Allele origin: germline.
Comment: This sequence change replaces valine, which is neutral and non-polar, with alanine, which is neutral and non-polar, at codon 1686 of the MYH3 protein (p.Val1686Ala). This variant is not present in population databases (gnomAD no frequency). This variant has not been reported in the literature in individuals affected with MYH3-related conditions. Advanced modeling of protein sequence and biophysical properties (such as structural, functional, and spatial information, amino acid conservation, physicochemical variation, residue mobility, and thermodynamic stability) performed at Invitae indicates that this missense variant is not expected to disrupt MYH3 protein function with a negative predictive value of 95%. In summary, the available evidence is currently insufficient to determine the role of this variant in disease. Therefore, it has been classified as a Variant of Uncertain Significance.

NM_002470.4(MYH3):c.5057T>C (p.Val1686Ala)

Gene: MYH3 (myosin heavy chain 3; minus strand). Cytogenetic location: 17p13.1.
Variant type: single nucleotide variant.
Coding change: c.5057T>C on transcript NM_002470.4 (MANE Select); coding-DNA position 5057, T replaced by C.
Protein change: p.Val1686Ala; replaces valine 1686 with alanine.
Molecular consequence: missense variant.
Genome position (GRCh38, 1-based): chr17:10,631,916, A>G on the plus strand (T>C on the coding strand, the complement: MYH3 is on the minus strand). VCF-style: chr17-10631916-A-G. GRCh37 (hg19) VCF-style: chr17-10535233-A-G.
Other names: short protein forms V1686A.
Identifiers: ClinVar variation 3400786 (VCV003400786.3).